The following is an entry in ClinVar:

ClinVar aggregate classification (germline): Pathogenic (1 of 4 stars; one submission).

Conditions:
PGM1-congenital disorder of glycosylation. Also called: CDG It; Congenital disorder of glycosylation type 1t; PHOSPHOGLUCOMUTASE 1 DEFICIENCY; PGM1 DEFICIENCY; GLYCOGEN STORAGE DISEASE XIV; GSD XIV. Identifiers: Orphanet 319646, MedGen C2752015, MONDO:0013968, OMIM 614921.

Allele frequency attached by ClinVar (database versions not stated): gnomAD exomes below 0.00001; TOPMed below 0.00001.
gnomAD v4.1: 1 of 1,614,058 alleles (0.000062%); highest among the groups gnomAD compares: African/African-American, 0.0013%; no homozygotes.

Submission:

Labcorp Genetics (formerly Invitae), Labcorp
Classification: Pathogenic for PGM1-congenital disorder of glycosylation. Last evaluated: 2022-09-27. Review status: criteria provided, single submitter. Criteria: Invitae Variant Classification Sherloc (09022015). Collection method: clinical testing. Allele origin: germline.
Comment: For these reasons, this variant has been classified as Pathogenic. This variant has not been reported in the literature in individuals affected with PGM1-related conditions. This variant is not present in population databases (gnomAD no frequency). This sequence change creates a premature translational stop signal (p.Gly171*) in the PGM1 gene. It is expected to result in an absent or disrupted protein product. Loss-of-function variants in PGM1 are known to be pathogenic (PMID: 22492991).

Literature cited by the submitters: PubMed 22492991.

NM_002633.3(PGM1):c.511G>T (p.Gly171Ter)

Gene: PGM1 (phosphoglucomutase 1; plus strand). Cytogenetic location: 1p31.3.
Variant type: single nucleotide variant.
Coding change: c.511G>T on transcript NM_002633.3 (MANE Select); coding-DNA position 511, G replaced by T.
Protein change: p.Gly171Ter; replaces glycine 171 with a stop codon.
Molecular consequence: nonsense. On other transcripts: 5 prime UTR variant (1).
Genome position (GRCh38, 1-based): chr1:63,630,043, G>T. VCF-style: chr1-63630043-G-T. GRCh37 (hg19) VCF-style: chr1-64095714-G-T.
Other names: c.565G>T, p.Gly189Ter (NM_001172818.1); c.-81G>T (NM_001172819.2); short protein forms G171*, G189*.
Identifiers: ClinVar variation 2013476 (VCV002013476.4), dbSNP rs1649153115, ClinGen allele CA340647286.